The following is an entry in ClinVar:

NM_003482.4(KMT2D):c.8765G>A (p.Arg2922Gln)

Gene: KMT2D (lysine methyltransferase 2D; minus strand). Cytogenetic location: 12q13.12.
Variant type: single nucleotide variant.
Coding change: c.8765G>A on transcript NM_003482.4 (MANE Select); coding-DNA position 8765, G replaced by A.
Protein change: p.Arg2922Gln; replaces arginine 2922 with glutamine.
Molecular consequence: missense variant.
Genome position (GRCh38, 1-based): chr12:49,038,591, C>T on the plus strand (G>A on the coding strand, the complement: KMT2D is on the minus strand). VCF-style: chr12-49038591-C-T. GRCh37 (hg19) VCF-style: chr12-49432374-C-T.
Other names: short protein forms R2922Q.
Identifiers: ClinVar variation 2635806 (VCV002635806.3), dbSNP rs757791539, ClinGen allele CA6546797.
Genomic context (GRCh38, chr12:49,038,591, plus strand): 5'-AATTCAGGGGCCGGTGGGGCTGAGGGTTTCTGTGGGGGAAGACCTGATACCGCCAGGCCC[C>T]GAAGCCCTTCAGGAGCCAGTCGGTGGGGGTCCTCACTTACAGGGTAAAAACGGGGTCTCT-3'
Protein context (NP_003473.3, residues 2912-2932): DPHRLAPEGL[Arg2922Gln]GLAVSGLPPQ

ClinVar aggregate classification (germline): Conflicting classifications of pathogenicity. Review status: criteria provided, conflicting classifications (1 of 4 stars). 2 submissions from 2 submitters: Uncertain significance (1); Benign (1). Last evaluated 2025-10-06.

Conditions:
Kabuki syndrome. Also called: Kabuki make-up syndrome; NIIKAWA-KUROKI SYNDROME. Identifiers: Orphanet 2322, MedGen C0796004, MONDO:0016512.
KMT2D-related disorder. Also called: KMT2D-Related Disorders.

Allele frequency attached by ClinVar (database versions not stated): gnomAD exomes 0.00001; ExAC 0.00001; gnomAD 0.00002; TOPMed 0.00002.
gnomAD v4.1: 20 of 1,612,520 alleles (0.0012%); highest among the groups gnomAD compares: African/African-American, 0.004%; no homozygotes.

Submissions (2):

Labcorp Genetics (formerly Invitae), Labcorp
Classification: Benign for Kabuki syndrome. Last evaluated: 2025-10-06. Review status: criteria provided, single submitter. Criteria: Invitae Variant Classification Sherloc (09022015). Collection method: clinical testing. Allele origin: germline.

PreventionGenetics, part of Exact Sciences
Classification: Uncertain significance for KMT2D-related condition. Last evaluated: 2023-06-08. Review status: criteria provided, single submitter. Criteria: ACMG Guidelines, 2015. Collection method: clinical testing. Allele origin: germline.
Comment: The KMT2D c.8765G>A variant is predicted to result in the amino acid substitution p.Arg2922Gln. This variant was reported as a de novo variant in a pediatric patient with bladder exstrophy (Child 16, Pitsava et al. 2021. PubMed ID: 34355505). This variant is reported in 0.0051% of alleles in individuals of East Asian descent in gnomAD. At this time, the clinical significance of this variant is uncertain due to the absence of conclusive functional and genetic evidence.